The following is an entry in ClinVar:

ClinVar aggregate classification (germline): Uncertain significance (1 of 4 stars; one submission).

Conditions:
Cardiovascular phenotype. Identifiers: MedGen CN230736.
Hereditary cancer-predisposing syndrome. Also called: Hereditary neoplastic syndrome; Neoplastic Syndromes, Hereditary; Tumor predisposition; Hereditary Cancer Syndrome. Identifiers: Orphanet 140162, MedGen C0027672, MeSH D009386, MONDO:0015356.

Submission:

Ambry Genetics
Classification: Uncertain significance for Cardiovascular phenotype; Hereditary cancer-predisposing syndrome. Last evaluated: 2025-08-29. Review status: criteria provided, single submitter. Criteria: Ambry Variant Classification Scheme 2023. Collection method: clinical testing. Allele origin: germline.
Comment: The p.E547Q variant (also known as c.1639G>C), located in coding exon 14 of the NF1 gene, results from a G to C substitution at nucleotide position 1639. The glutamic acid at codon 547 is replaced by glutamine, an amino acid with highly similar properties. This amino acid position is conserved. In addition, the in silico prediction for this alteration is inconclusive. Based on the available evidence, the clinical significance of this variant remains unclear.

NM_001042492.3(NF1):c.1639G>C (p.Glu547Gln)

Gene: NF1 (neurofibromin 1; plus strand). Cytogenetic location: 17q11.2.
Variant type: single nucleotide variant.
Coding change: c.1639G>C on transcript NM_001042492.3 (MANE Select); coding-DNA position 1639, G replaced by C.
Protein change: p.Glu547Gln; replaces glutamic acid 547 with glutamine.
Molecular consequence: missense variant.
Genome position (GRCh38, 1-based): chr17:31,219,116, G>C. VCF-style: chr17-31219116-G-C. GRCh37 (hg19) VCF-style: chr17-29546134-G-C.
Other names: c.1639G>C, p.Glu547Gln (NM_000267.4, NM_001128147.3); short protein forms E547Q.
Identifiers: ClinVar variation 4119171 (VCV004119171.1).
Genomic context (GRCh38, chr17:31,219,116, plus strand): 5'-ACAGGGCTCGTCCAACTGGTCCCTCAGTCACACATGCCAGAGATTGCTCAGGAAGCAATG[G>C]AGGTAAGGGGAAAATGAATTCCATGTTCTTGAAGGAAAGATTGTAACTATGTACATTCAT-3'
Protein context (NP_001035957.1, residues 537-557): HMPEIAQEAM[Glu547Gln]ALLVLHQLDS